The following is an entry in ClinVar:

ClinVar aggregate classification (germline): Uncertain significance. Review status: criteria provided, multiple submitters, no conflicts (2 of 4 stars). 2 submissions from 2 submitters: Uncertain significance (2). Last evaluated 2024-12-08.

Conditions:
Mosaic variegated aneuploidy syndrome 2 (MVA2). Identifiers: Orphanet 1052, MedGen C3279843, MONDO:0013582, OMIM 614114.
Inborn genetic diseases. Identifiers: MedGen C0950123, MeSH D030342.

Allele frequency attached by ClinVar (database versions not stated): ExAC below 0.00001; gnomAD exomes below 0.00001 and 0.00003; gnomAD 0.00001; TOPMed 0.00002; ESP Exome Variant Server 0.00015.
gnomAD v4.1: 40 of 1,612,676 alleles (0.0025%); highest among the groups gnomAD compares: Non-Finnish European, 0.0033%; no homozygotes.

Submissions (2):

Ambry Genetics
Classification: Uncertain significance for Inborn genetic diseases. Last evaluated: 2024-12-08. Review status: criteria provided, single submitter. Criteria: Ambry Variant Classification Scheme 2023. Collection method: clinical testing. Allele origin: germline.
Comment: The p.E122D variant (also known as c.366A>C), located in coding exon 3 of the CEP57 gene, results from an A to C substitution at nucleotide position 366. The glutamic acid at codon 122 is replaced by aspartic acid, an amino acid with highly similar properties. This amino acid position is conserved. In addition, this alteration is predicted to be tolerated by in silico analysis. Based on the available evidence, the clinical significance of this variant remains unclear.

Labcorp Genetics (formerly Invitae), Labcorp
Classification: Uncertain significance for Mosaic variegated aneuploidy syndrome 2. Last evaluated: 2024-05-13. Review status: criteria provided, single submitter. Criteria: Invitae Variant Classification Sherloc (09022015). Collection method: clinical testing. Allele origin: germline.
Comment: This sequence change replaces glutamic acid, which is acidic and polar, with aspartic acid, which is acidic and polar, at codon 122 of the CEP57 protein (p.Glu122Asp). This variant is present in population databases (rs375567801, gnomAD 0.0009%). This variant has not been reported in the literature in individuals affected with CEP57-related conditions. ClinVar contains an entry for this variant (Variation ID: 640428). Advanced modeling of protein sequence and biophysical properties (such as structural, functional, and spatial information, amino acid conservation, physicochemical variation, residue mobility, and thermodynamic stability) performed at Invitae indicates that this missense variant is not expected to disrupt CEP57 protein function with a negative predictive value of 80%. In summary, the available evidence is currently insufficient to determine the role of this variant in disease. Therefore, it has been classified as a Variant of Uncertain Significance.

NM_014679.5(CEP57):c.366A>C (p.Glu122Asp)

Gene: CEP57 (centrosomal protein 57; plus strand). Cytogenetic location: 11q21.
Variant type: single nucleotide variant.
Coding change: c.366A>C on transcript NM_014679.5 (MANE Select); coding-DNA position 366, A replaced by C.
Protein change: p.Glu122Asp; replaces glutamic acid 122 with aspartic acid.
Molecular consequence: missense variant.
Genome position (GRCh38, 1-based): chr11:95,813,095, A>C. VCF-style: chr11-95813095-A-C. GRCh37 (hg19) VCF-style: chr11-95546259-A-C.
Other names: c.339A>C, p.Glu113Asp (NM_001243776.2); c.366A>C, p.Glu122Asp (NM_001243777.2); c.285A>C, p.Glu95Asp (NM_001363604.2); short protein forms E113D, E122D, E95D.
Identifiers: ClinVar variation 640428 (VCV000640428.9), dbSNP rs375567801, ClinGen allele CA6239437.